The following is an entry in ClinVar:

ClinVar aggregate classification (germline): Likely benign (1 of 4 stars; one submission).

Submission:

CeGaT Center for Human Genetics Tuebingen
Classification: Likely benign. Last evaluated: 2025-12-01. Review status: criteria provided, single submitter. Criteria: CeGaT Center For Human Genetics Tuebingen Variant Classification Criteria Version 2. Collection method: clinical testing. Allele origin: germline. Affected: yes. Observed: 1 variant allele.
Comment: DSG3: PM2:Supporting, BP4, BP7

NM_001944.3(DSG3):c.2304A>T (p.Thr768=)

Gene: DSG3 (desmoglein 3; plus strand). Cytogenetic location: 18q12.1.
Variant type: single nucleotide variant.
Coding change: c.2304A>T on transcript NM_001944.3 (MANE Select); coding-DNA position 2304, A replaced by T.
Protein change: p.Thr768=; no amino-acid change (threonine 768 retained).
Molecular consequence: synonymous variant.
Genome position (GRCh38, 1-based): chr18:31,474,323, A>T. VCF-style: chr18-31474323-A-T. GRCh37 (hg19) VCF-style: chr18-29054286-A-T.
Identifiers: ClinVar variation 4681915 (VCV004681915.5).